The following is an entry in ClinVar:

NM_001854.4(COL11A1):c.1371T>G (p.Gly457=)

Gene: COL11A1 (collagen type XI alpha 1 chain; minus strand). Cytogenetic location: 1p21.1.
Variant type: single nucleotide variant.
Coding change: c.1371T>G on transcript NM_001854.4 (MANE Select); coding-DNA position 1371, T replaced by G.
Protein change: p.Gly457=; no amino-acid change (glycine 457 retained).
Molecular consequence: synonymous variant. On other transcripts: non-coding transcript variant (1).
Genome position (GRCh38, 1-based): chr1:103,017,862, A>C on the plus strand (T>G on the coding strand, the complement: COL11A1 is on the minus strand). VCF-style: chr1-103017862-A-C. GRCh37 (hg19) VCF-style: chr1-103483418-A-C.
Other names: c.1023T>G, p.Gly341= (NM_001168249.1, NM_080630.4); c.1254T>G, p.Gly418= (NM_001190709.2); c.1407T>G, p.Gly469= (NM_080629.3); c.1371T>G (NM_001854.3).
Identifiers: ClinVar variation 1945774 (VCV001945774.6), dbSNP rs780360994, ClinGen allele CA974998.
Genomic context (GRCh38, chr1:103,017,862, plus strand): 5'-TCATGTCCATTCACTTACCCTATCGCCAGGGTCACCAGGGGGTCCAGTGGGGCCTTGTAG[A>C]CCTGGAGGACCCATAATACCCTATAGAGAAACACACCATATCTTAATCAGATTCCTAATC-3'
Protein context (NP_001845.3, residues 447-467): AGPAGIMGPP[Gly457=]LQGPTGPPGD

ClinVar aggregate classification (germline): Benign. Review status: criteria provided, single submitter (1 of 4 stars). 2 submissions from 2 submitters: Benign (1). 1 of the submissions does not count toward it. Last evaluated 2023-09-25.

Conditions:
COL11A1-related disorder. Also called: COL11A1-related condition; COL11A1-related disorders.

Allele frequency attached by ClinVar (database versions not stated): gnomAD 0.00002; gnomAD exomes 0.00003; ExAC 0.00004.
gnomAD v4.1: 40 of 1,613,104 alleles (0.0025%); highest among the groups gnomAD compares: South Asian, 0.042%; no homozygotes.

Submissions (2):

Labcorp Genetics (formerly Invitae), Labcorp
Classification: Benign. Last evaluated: 2023-09-25. Review status: criteria provided, single submitter. Criteria: Invitae Variant Classification Sherloc (09022015). Collection method: clinical testing. Allele origin: germline.

PreventionGenetics, part of Exact Sciences
Classification: Likely benign for COL11A1-related condition. Last evaluated: 2020-09-21. Review status: no assertion criteria provided. Collection method: clinical testing. Allele origin: germline. Not counted in ClinVar's aggregate classification.
Comment: This variant is classified as likely benign based on ACMG/AMP sequence variant interpretation guidelines (Richards et al. 2015 PMID: 25741868, with internal and published modifications).